The following is an entry in ClinVar:

ClinVar aggregate classification (germline): Uncertain significance. Review status: criteria provided, multiple submitters, no conflicts (2 of 4 stars). 2 submissions from 2 submitters: Uncertain significance (2). Last evaluated 2024-04-19.

Conditions:
Polycystic kidney disease, adult type (PKD1). Also called: POLYCYSTIC KIDNEY DISEASE 1 WITH OR WITHOUT POLYCYSTIC LIVER DISEASE; POLYCYSTIC KIDNEY DISEASE, ADULT, TYPE I; Polycystic Kidney Disease 1, Autosomal Dominant; Polycystic kidney disease 1; Polycystic kidney disease 1, severe; Polycystic Kidney, Autosomal Dominant. Identifiers: MedGen C3149841, MONDO:0008263, OMIM 173900.

Allele frequency attached by ClinVar (database versions not stated): gnomAD 0.00002; gnomAD exomes 0.00002; TOPMed 0.00003.
gnomAD v4.1: 38 of 1,609,956 alleles (0.0024%); highest among the groups gnomAD compares: Middle Eastern, 0.022%; no homozygotes.

Submissions (2):

GeneDx
Classification: Uncertain significance. Last evaluated: 2024-04-19. Review status: criteria provided, single submitter. Criteria: GeneDx Variant Classification Process June 2021. Collection method: clinical testing. Allele origin: germline. Affected: yes.
Comment: In silico analysis supports that this missense variant does not alter protein structure/function; Has not been previously published as pathogenic or benign to our knowledge

Fulgent Genetics
Classification: Uncertain significance for Polycystic kidney disease, adult type. Last evaluated: 2024-04-11. Review status: criteria provided, single submitter. Criteria: ACMG Guidelines, 2015. Collection method: clinical testing. Allele origin: germline.

NM_001009944.3(PKD1):c.7600A>G (p.Ser2534Gly)

Gene: PKD1 (polycystin 1, transient receptor potential channel interacting; minus strand). Cytogenetic location: 16p13.3.
Variant type: single nucleotide variant.
Coding change: c.7600A>G on transcript NM_001009944.3 (MANE Select); coding-DNA position 7600, A replaced by G.
Protein change: p.Ser2534Gly; replaces serine 2534 with glycine.
Molecular consequence: missense variant.
Genome position (GRCh38, 1-based): chr16:2,106,194, T>C on the plus strand (A>G on the coding strand, the complement: PKD1 is on the minus strand). VCF-style: chr16-2106194-T-C. GRCh37 (hg19) VCF-style: chr16-2156195-T-C.
Other names: c.7600A>G, p.Ser2534Gly (NM_000296.4); short protein forms S2534G.
Identifiers: ClinVar variation 1338939 (VCV001338939.5), dbSNP rs3874655, ClinGen allele CA276779432.